The following is an entry in ClinVar:

ClinVar aggregate classification (germline): Uncertain significance (1 of 4 stars; one submission).

Conditions:
Werner syndrome (WRN). Identifiers: Orphanet 902, MedGen C0043119, MONDO:0010196, OMIM 277700.

Submission:

Labcorp Genetics (formerly Invitae), Labcorp
Classification: Uncertain significance for Werner syndrome. Last evaluated: 2021-11-01. Review status: criteria provided, single submitter. Criteria: Invitae Variant Classification Sherloc (09022015). Collection method: clinical testing. Allele origin: germline.
Comment: Algorithms developed to predict the effect of missense changes on protein structure and function output the following: SIFT: "Not Available"; PolyPhen-2: "Benign"; Align-GVGD: "Not Available". The glutamic acid amino acid residue is found in multiple mammalian species, which suggests that this missense change does not adversely affect protein function. In summary, the available evidence is currently insufficient to determine the role of this variant in disease. Therefore, it has been classified as a Variant of Uncertain Significance. This variant has not been reported in the literature in individuals affected with WRN-related conditions. This variant is not present in population databases (gnomAD no frequency). This sequence change replaces glutamine, which is neutral and polar, with glutamic acid, which is acidic and polar, at codon 235 of the WRN protein (p.Gln235Glu).

NM_000553.6(WRN):c.703C>G (p.Gln235Glu)

Gene: WRN (WRN RecQ like helicase; plus strand). Cytogenetic location: 8p12.
Variant type: single nucleotide variant.
Coding change: c.703C>G on transcript NM_000553.6 (MANE Select); coding-DNA position 703, C replaced by G.
Protein change: p.Gln235Glu; replaces glutamine 235 with glutamic acid.
Molecular consequence: missense variant.
Genome position (GRCh38, 1-based): chr8:31,068,306, C>G. VCF-style: chr8-31068306-C-G. GRCh37 (hg19) VCF-style: chr8-30925822-C-G.
Other names: short protein forms Q235E.
Identifiers: ClinVar variation 1346207 (VCV001346207.6), dbSNP rs2130056690, ClinGen allele CA370917108.